The following is an entry in ClinVar:

ClinVar aggregate classification (germline): Pathogenic (1 of 4 stars; one submission).

Submission:

Labcorp Genetics (formerly Invitae), Labcorp
Classification: Pathogenic. Last evaluated: 2025-11-22. Review status: criteria provided, single submitter. Criteria: Invitae Variant Classification Sherloc (09022015). Collection method: clinical testing. Allele origin: germline.
Comment: This sequence change creates a premature translational stop signal (p.Gln1690Profs*7) in the ZNF469 gene. While this is not anticipated to result in nonsense mediated decay, it is expected to disrupt the last 2236 amino acid(s) of the ZNF469 protein. The frequency data for this variant in the population databases is considered unreliable, as metrics indicate poor data quality at this position in the gnomAD database. This variant has not been reported in the literature in individuals affected with ZNF469-related conditions. ClinVar contains an entry for this variant (Variation ID: 2780417). This variant disrupts a region of the ZNF469 protein in which other variant(s) (p.Arg3414Glyfs*59) have been determined to be pathogenic (PMID: 32671420; internal data). This suggests that this is a clinically significant region of the protein, and that variants that disrupt it are likely to be disease-causing. For these reasons, this variant has been classified as Pathogenic.

Literature cited by the submitters: PubMed 32671420.

NM_001367624.2(ZNF469):c.5152dup (p.Gln1718fs)

Gene: ZNF469 (zinc finger protein 469; plus strand). Cytogenetic location: 16q24.2.
Variant type: Duplication.
Coding change: c.5152dup on transcript NM_001367624.2 (MANE Select); coding-DNA position 5152, one base duplicated (C; older notation c.5152dupC).
Protein change: p.Gln1718fs; shifts the reading frame from glutamine 1718.
Molecular consequence: frameshift variant.
Genome position (GRCh38, 1-based): chr16:88,432,622, C duplicated; the last of 7 consecutive C bases (chr16:88,432,616-88,432,622); duplicating any one gives the same sequence. VCF-style (leftmost placement, unchanged base first): chr16-88432615-G-GC. GRCh37 (hg19) VCF-style: chr16-88499023-G-GC.
Other names: short protein forms Q1718fs.
Identifiers: ClinVar variation 2780417 (VCV002780417.3), dbSNP rs2507589736, ClinGen allele CA624447614.
Genomic context (GRCh38, chr16:88,432,615, plus strand): 5'-GCCAGTGCAGAAAGCCGGAGCCTCCAAGACTGGACTTTGCCAGGCAGAAGGAGACAGCAG[G>GC]CCCCCCCAAGATGTCTGCCTGCCTGAGCCCAGCAAGCAGCCTGGCCCACAGCTGGATGCC-3'